The following is an entry in ClinVar:

NM_000094.4(COL7A1):c.4437+2T>G

Gene: COL7A1 (collagen type VII alpha 1 chain; minus strand). Cytogenetic location: 3p21.31.
Variant type: single nucleotide variant.
Coding change: c.4437+2T>G on transcript NM_000094.4 (MANE Select); the canonical splice donor site of the intron after coding-DNA position 4437, T replaced by G.
Molecular consequence: splice donor variant.
Genome position (GRCh38, 1-based): chr3:48,583,391, A>C on the plus strand (T>G on the coding strand, the complement: COL7A1 is on the minus strand). VCF-style: chr3-48583391-A-C. GRCh37 (hg19) VCF-style: chr3-48620824-A-C.
Identifiers: ClinVar variation 1065917 (VCV001065917.5), dbSNP rs2107725917, ClinGen allele CA352691650.

ClinVar aggregate classification (germline): Likely pathogenic (1 of 4 stars; one submission).

Submission:

Labcorp Genetics (formerly Invitae), Labcorp
Classification: Likely pathogenic. Last evaluated: 2022-04-12. Review status: criteria provided, single submitter. Criteria: Invitae Variant Classification Sherloc (09022015). Collection method: clinical testing. Allele origin: germline.
Comment: This sequence change affects a donor splice site in intron 41 of the COL7A1 gene. It is expected to disrupt splicing. Variants that disrupt the donor or acceptor splice site typically lead to a loss of protein function (PMID: 16199547), and loss-of-function variants in COL7A1 are known to be disease-causing for autosomal recessive dystrophic epidermolysis bullosa (PMID: 16971478). However, certain variants affecting donor or acceptor splice sites in the triple helical domain of COL7A1 are expected to result in in-frame exon skipping and have been reported to cause autosomal dominant dystrophic epidermolysis bullosa (PMID: 31670143). This variant is not present in population databases (gnomAD no frequency). This variant has not been reported in the literature in individuals affected with COL7A1-related conditions. ClinVar contains an entry for this variant (Variation ID: 1065917). Algorithms developed to predict the effect of sequence changes on RNA splicing suggest that this variant may disrupt the consensus splice site. In summary, the currently available evidence indicates that the variant is pathogenic, but additional data are needed to prove that conclusively. Therefore, this variant has been classified as Likely Pathogenic.

Literature cited by the submitters: PubMed 16199547; PubMed 16971478; PubMed 31670143.